The following is an entry in ClinVar:

NM_001377.3(DYNC2H1):c.9265T>A (p.Leu3089Met)

Gene: DYNC2H1 (dynein cytoplasmic 2 heavy chain 1; plus strand). Cytogenetic location: 11q22.3.
Variant type: single nucleotide variant.
Coding change: c.9265T>A on transcript NM_001377.3 (MANE Select); coding-DNA position 9265, T replaced by A.
Protein change: p.Leu3089Met; replaces leucine 3089 with methionine.
Molecular consequence: missense variant.
Genome position (GRCh38, 1-based): chr11:103,222,998, T>A. VCF-style: chr11-103222998-T-A. GRCh37 (hg19) VCF-style: chr11-103093727-T-A.
Other names: c.9265T>A, p.Leu3089Met (NM_001080463.2); short protein forms L3089M.
Identifiers: ClinVar variation 3766483 (VCV003766483.1).

ClinVar aggregate classification (germline): Uncertain significance (1 of 4 stars; one submission).

Conditions:
Asphyxiating thoracic dystrophy 3. Also called: SHORT-RIB THORACIC DYSPLASIA 3 WITH OR WITHOUT POLYDACTYLY; POLYDACTYLY WITH NEONATAL CHONDRODYSTROPHY, TYPE I; SHORT-RIB THORACIC DYSPLASIA 3/6 WITH POLYDACTYLY, DIGENIC; Short rib polydactyly syndrome 2B; Saldino-Noonan Syndrome. Identifiers: Orphanet 474, Orphanet 93269, Orphanet 93270, Orphanet 93271, MedGen C0036069, MONDO:0013127, OMIM 613091.

gnomAD v4.1: 1 of 1,613,366 alleles (0.000062%); highest among the groups gnomAD compares: African/African-American, 0.0013%; no homozygotes.

Submission:

ARUP Laboratories, Molecular Genetics and Genomics, ARUP Laboratories
Classification: Uncertain significance for Asphyxiating thoracic dystrophy 3. Last evaluated: 2024-02-29. Review status: criteria provided, single submitter. Criteria: ARUP Molecular Germline Variant Investigation Process 2024. Collection method: clinical testing. Allele origin: germline.
Comment: The DYNC2H1 c.9265T>A p.Leu3089Met variant (rs928713530), to our knowledge, is not reported in the medical literature or gene specific databases. This variant is only observed on one allele in the Genome Aggregation Database (v2.1.1), indicating it is not a common polymorphism. Computational analyses are uncertain whether this variant is neutral or deleterious (REVEL: 0.586). Due to limited information, the clinical significance of this variant is uncertain at this time.